The following is an entry in ClinVar:

ClinVar aggregate classification (germline): Uncertain significance (1 of 4 stars; one submission).

Conditions:
Cranioectodermal dysplasia 1 (CED1). Also called: LEVIN SYNDROME I. Identifiers: Orphanet 1515, MedGen C0432235, MONDO:0021093, OMIM 218330.

Allele frequency attached by ClinVar (database versions not stated): ExAC 0.00002; gnomAD 0.00002; TOPMed 0.00002; ESP Exome Variant Server 0.00008.
gnomAD v4.1: 33 of 1,614,120 alleles (0.002%); highest among the groups gnomAD compares: Non-Finnish European, 0.002%; no homozygotes.

Submission:

Labcorp Genetics (formerly Invitae), Labcorp
Classification: Uncertain significance for Cranioectodermal dysplasia 1. Last evaluated: 2023-07-07. Review status: criteria provided, single submitter. Criteria: Invitae Variant Classification Sherloc (09022015). Collection method: clinical testing. Allele origin: germline.
Comment: This variant has not been reported in the literature in individuals affected with IFT122-related conditions. This sequence change replaces valine, which is neutral and non-polar, with alanine, which is neutral and non-polar, at codon 819 of the IFT122 protein (p.Val819Ala). This variant is present in population databases (rs368409235, gnomAD 0.01%). ClinVar contains an entry for this variant (Variation ID: 2194879). Advanced modeling of protein sequence and biophysical properties (such as structural, functional, and spatial information, amino acid conservation, physicochemical variation, residue mobility, and thermodynamic stability) performed at Invitae indicates that this missense variant is not expected to disrupt IFT122 protein function. In summary, the available evidence is currently insufficient to determine the role of this variant in disease. Therefore, it has been classified as a Variant of Uncertain Significance.

NM_052989.3(IFT122):c.2303T>C (p.Val768Ala)

Gene: IFT122 (intraflagellar transport 122; plus strand). Cytogenetic location: 3q21.3.
Variant type: single nucleotide variant.
Coding change: c.2303T>C on transcript NM_052989.3 (MANE Select); coding-DNA position 2303, T replaced by C.
Protein change: p.Val768Ala; replaces valine 768 with alanine.
Molecular consequence: missense variant.
Genome position (GRCh38, 1-based): chr3:129,499,996, T>C. VCF-style: chr3-129499996-T-C. GRCh37 (hg19) VCF-style: chr3-129218839-T-C.
Other names: c.1916T>C, p.Val639Ala (NM_001410817.1); c.2126T>C, p.Val709Ala (NM_018262.4, NM_001410810.1); c.2456T>C, p.Val819Ala (NM_052985.4); c.1970T>C, p.Val657Ala (NM_052990.3, NM_001410815.1); c.2279T>C, p.Val760Ala (NM_001280541.2); c.1853T>C, p.Val618Ala (NM_001280545.2); c.1676T>C, p.Val559Ala (NM_001280546.2); c.2303T>C, p.Val768Ala (NM_001410808.1); and 2 more; short protein forms V618A, V760A, V819A, V639A, V691A, V768A, V559A, V657A.
Identifiers: ClinVar variation 2194879 (VCV002194879.4), dbSNP rs368409235, ClinGen allele CA2606467.